The following is an entry in ClinVar:

ClinVar aggregate classification (germline): Uncertain significance. Review status: criteria provided, multiple submitters, no conflicts (2 of 4 stars). 2 submissions from 2 submitters: Uncertain significance (2). Last evaluated 2025-07-06.

Conditions:
Distal hereditary motor neuropathy type 2. Identifiers: Orphanet 139525, MedGen C3711384, MeSH C580044, MONDO:0015352.
FBXO38-related disorder. Also called: FBXO38-related condition.

Allele frequency attached by ClinVar (database versions not stated): ExAC 0.00002; gnomAD exomes 0.00002 and 0.00003; TOPMed 0.00002; gnomAD 0.00003.
gnomAD v4.1: 32 of 1,613,614 alleles (0.002%); highest among the groups gnomAD compares: Middle Eastern, 0.066%; no homozygotes.

Submissions (2):

PreventionGenetics, part of Exact Sciences
Classification: Uncertain significance for FBXO38-related condition. Last evaluated: 2025-07-06. Review status: criteria provided, single submitter. Criteria: ACMG Guidelines, 2015. Collection method: clinical testing. Allele origin: germline.
Comment: The FBXO38 c.1688C>A variant is predicted to result in the amino acid substitution p.Pro563Gln. To our knowledge, this variant has not been reported in the literature. This variant is reported in 0.0062% of alleles in individuals of African descent in gnomAD. At this time, the clinical significance of this variant is uncertain due to the absence of conclusive functional and genetic evidence.

Labcorp Genetics (formerly Invitae), Labcorp
Classification: Uncertain significance for Distal hereditary motor neuropathy type 2. Last evaluated: 2025-03-19. Review status: criteria provided, single submitter. Criteria: Invitae Variant Classification Sherloc (09022015). Collection method: clinical testing. Allele origin: germline.
Comment: This sequence change replaces proline, which is neutral and non-polar, with glutamine, which is neutral and polar, at codon 563 of the FBXO38 protein (p.Pro563Gln). This variant is present in population databases (rs779538575, gnomAD 0.007%). This variant has not been reported in the literature in individuals affected with FBXO38-related conditions. ClinVar contains an entry for this variant (Variation ID: 837626). Invitae Evidence Modeling of protein sequence and biophysical properties (such as structural, functional, and spatial information, amino acid conservation, physicochemical variation, residue mobility, and thermodynamic stability) indicates that this missense variant is not expected to disrupt FBXO38 protein function with a negative predictive value of 80%. In summary, the available evidence is currently insufficient to determine the role of this variant in disease. Therefore, it has been classified as a Variant of Uncertain Significance.

NM_205836.3(FBXO38):c.1688C>A (p.Pro563Gln)

Gene: FBXO38 (F-box protein 38; plus strand). Cytogenetic location: 5q32.
Variant type: single nucleotide variant.
Coding change: c.1688C>A on transcript NM_205836.3 (MANE Select); coding-DNA position 1688, C replaced by A.
Protein change: p.Pro563Gln; replaces proline 563 with glutamine.
Molecular consequence: missense variant.
Genome position (GRCh38, 1-based): chr5:148,424,067, C>A. VCF-style: chr5-148424067-C-A. GRCh37 (hg19) VCF-style: chr5-147803630-C-A.
Other names: c.1688C>A, p.Pro563Gln (NM_001271723.2, NM_030793.5); short protein forms P563Q.
Identifiers: ClinVar variation 837626 (VCV000837626.12), dbSNP rs779538575, ClinGen allele CA3497340.